The following is an entry in ClinVar:

NM_001023570.4(IQCB1):c.1484T>C (p.Met495Thr)

Gene: IQCB1 (IQ motif containing B1; minus strand). Cytogenetic location: 3q13.33.
Variant type: single nucleotide variant.
Coding change: c.1484T>C on transcript NM_001023570.4 (MANE Select); coding-DNA position 1484, T replaced by C.
Protein change: p.Met495Thr; replaces methionine 495 with threonine.
Molecular consequence: missense variant. On other transcripts: non-coding transcript variant (1).
Genome position (GRCh38, 1-based): chr3:121,772,640, A>G on the plus strand (T>C on the coding strand, the complement: IQCB1 is on the minus strand). VCF-style: chr3-121772640-A-G. GRCh37 (hg19) VCF-style: chr3-121491487-A-G.
Other names: c.1085T>C, p.Met362Thr (NM_001023571.4); c.1484T>C, p.Met495Thr (NM_001319107.2); short protein forms M362T, M495T.
Identifiers: ClinVar variation 1354136 (VCV001354136.9), dbSNP rs2108507338, ClinGen allele CA354110187.
Genomic context (GRCh38, chr3:121,772,640, plus strand): 5'-CTGATCTGTGCTATCAGAGCTTCTCTGTGCTGCTGGGCTCGCTCTTCTAGGGCCCTGCCC[A>G]TAAAGTAGTGTTGCAGTCGTTCTTGAGCTTGGGCATGGAGCTCCCTACTGACCACATCTG-3'
Protein context (NP_001018864.2, residues 485-505): QAQERLQHYF[Met495Thr]GRALEERAQQ

ClinVar aggregate classification (germline): Uncertain significance (1 of 4 stars; one submission).

Conditions:
Nephronophthisis. Also called: Juvenile Nephronophthisis. Identifiers: Orphanet 655, MedGen C0687120, MONDO:0019005, HP:0000090.

Allele frequency attached by ClinVar (database versions not stated): gnomAD exomes below 0.00001.
gnomAD v4.1: 2 of 1,614,198 alleles (0.00012%); highest among the groups gnomAD compares: Non-Finnish European, 0.00017%; no homozygotes.

Submission:

Labcorp Genetics (formerly Invitae), Labcorp
Classification: Uncertain significance for Nephronophthisis. Last evaluated: 2022-03-10. Review status: criteria provided, single submitter. Criteria: Invitae Variant Classification Sherloc (09022015). Collection method: clinical testing. Allele origin: germline.
Comment: This variant is not present in population databases (gnomAD no frequency). In summary, the available evidence is currently insufficient to determine the role of this variant in disease. Therefore, it has been classified as a Variant of Uncertain Significance. Algorithms developed to predict the effect of missense changes on protein structure and function are either unavailable or do not agree on the potential impact of this missense change (SIFT: "Deleterious"; PolyPhen-2: "Benign"; Align-GVGD: "Class C0"). This variant has not been reported in the literature in individuals affected with IQCB1-related conditions. This sequence change replaces methionine, which is neutral and non-polar, with threonine, which is neutral and polar, at codon 495 of the IQCB1 protein (p.Met495Thr).